The following is an entry in ClinVar:

ClinVar aggregate classification (germline): Uncertain significance (1 of 4 stars; one submission).

Conditions:
Neuronopathy, distal hereditary motor, type 7A. Also called: SPINAL MUSCULAR ATROPHY, DISTAL, WITH VOCAL CORD PARALYSIS; Neuronopathy, distal hereditary motor, type viia; NEURONOPATHY, DISTAL HEREDITARY MOTOR, HARDING TYPE VIIA; NEUROPATHY, DISTAL HEREDITARY MOTOR, HARDING TYPE VIIA; Neuronopathy, distal hereditary motor, autosomal dominant 7; HARPER-YOUNG MYOPATHY. Identifiers: Orphanet 139589, MedGen C1834703, MONDO:0008024, OMIM 158580.
Congenital myasthenic syndrome 20. Also called: Myasthenic syndrome, congenital, 20, presynaptic. Identifiers: MedGen C4310694, MONDO:0014939, OMIM 617143.

Allele frequency attached by ClinVar (database versions not stated): gnomAD exomes below 0.00001.
gnomAD v4.1: 1 of 1,613,224 alleles (0.000062%); highest among the groups gnomAD compares: South Asian, 0.0011%; no homozygotes.

Submission:

Labcorp Genetics (formerly Invitae), Labcorp
Classification: Uncertain significance for Neuronopathy, distal hereditary motor, type 7A; Congenital myasthenic syndrome 20. Last evaluated: 2022-08-09. Review status: criteria provided, single submitter. Criteria: Invitae Variant Classification Sherloc (09022015). Collection method: clinical testing. Allele origin: germline.
Comment: This variant is not present in population databases (gnomAD no frequency). This sequence change replaces threonine, which is neutral and polar, with serine, which is neutral and polar, at codon 558 of the SLC5A7 protein (p.Thr558Ser). In summary, the available evidence is currently insufficient to determine the role of this variant in disease. Therefore, it has been classified as a Variant of Uncertain Significance. Algorithms developed to predict the effect of missense changes on protein structure and function (SIFT, PolyPhen-2, Align-GVGD) all suggest that this variant is likely to be tolerated. This variant has not been reported in the literature in individuals affected with SLC5A7-related conditions.

NM_021815.5(SLC5A7):c.1672A>T (p.Thr558Ser)

Gene: SLC5A7 (solute carrier family 5 member 7; plus strand). Cytogenetic location: 2q12.3.
Variant type: single nucleotide variant.
Coding change: c.1672A>T on transcript NM_021815.5 (MANE Select); coding-DNA position 1672, A replaced by T.
Protein change: p.Thr558Ser; replaces threonine 558 with serine.
Molecular consequence: missense variant.
Genome position (GRCh38, 1-based): chr2:108,010,790, A>T. VCF-style: chr2-108010790-A-T. GRCh37 (hg19) VCF-style: chr2-108627246-A-T.
Other names: c.1672A>T, p.Thr558Ser (NM_001305005.3); c.1357A>T, p.Thr453Ser (NM_001305006.3); c.931A>T, p.Thr311Ser (NM_001305007.3); short protein forms T453S, T311S, T558S.
Identifiers: ClinVar variation 2054829 (VCV002054829.4), dbSNP rs2467135321, ClinGen allele CA348115098.